The following is an entry in ClinVar:

NM_001008212.2(OPTN):c.552+2T>G

Gene: OPTN (optineurin; plus strand). Cytogenetic location: 10p13.
Variant type: single nucleotide variant.
Coding change: c.552+2T>G on transcript NM_001008212.2 (MANE Select); the canonical splice donor site of the intron after coding-DNA position 552, T replaced by G.
Molecular consequence: splice donor variant.
Genome position (GRCh38, 1-based): chr10:13,112,637, T>G. VCF-style: chr10-13112637-T-G. GRCh37 (hg19) VCF-style: chr10-13154637-T-G.
Other names: c.552+2T>G (NM_001008211.1, NM_001008213.1, NM_021980.4).
Identifiers: ClinVar variation 2682232 (VCV002682232.1), dbSNP rs2539041764, ClinGen allele CA376028162.

ClinVar aggregate classification (germline): Likely pathogenic (1 of 4 stars; one submission).

Conditions:
OPTN-related disorder. Also called: OPTN-related disorders; OPTN-related condition.

gnomAD v4.1: 1 of 1,614,106 alleles (0.000062%); no homozygotes.

Submission:

Women's Health and Genetics/Laboratory Corporation of America, LabCorp
Classification: Likely pathogenic for OPTN-Related Disorders. Last evaluated: 2023-11-21. Review status: criteria provided, single submitter. Criteria: LabCorp Variant Classification Summary - May 2015. Collection method: clinical testing. Allele origin: germline.
Comment: Variant summary: OPTN c.552+2T>G is located in a canonical splice-site and is predicted to affect mRNA splicing resulting in a significantly altered protein due to either exon skipping, shortening, or inclusion of intronic material. Several computational tools predict a significant impact on normal splicing: Three predict the variant abolishes a 5' splicing donor site. However, these predictions have yet to be confirmed by functional studies. The variant was absent in 251302 control chromosomes. To our knowledge, no occurrence of c.552+2T>G in individuals affected with OPTN-Related Disorders and no experimental evidence demonstrating its impact on protein function have been reported. No submitters have cited clinical-significance assessments for this variant to ClinVar after 2014. Based on the evidence outlined above, the variant was classified as likely pathogenic.